The following is an entry in ClinVar:

NM_001020658.2(PUM1):c.1972A>C (p.Ser658Arg)

Gene: PUM1 (pumilio RNA binding family member 1; minus strand). Cytogenetic location: 1p35.2.
Variant type: single nucleotide variant.
Coding change: c.1972A>C on transcript NM_001020658.2 (MANE Select); coding-DNA position 1972, A replaced by C.
Protein change: p.Ser658Arg; replaces serine 658 with arginine.
Molecular consequence: missense variant.
Genome position (GRCh38, 1-based): chr1:30,966,096, T>G on the plus strand (A>C on the coding strand, the complement: PUM1 is on the minus strand). VCF-style: chr1-30966096-T-G. GRCh37 (hg19) VCF-style: chr1-31438943-T-G.
Other names: c.1972A>C, p.Ser658Arg (NM_014676.3); short protein forms S658R.
Identifiers: ClinVar variation 1710470 (VCV001710470.3), dbSNP rs1481115545, ClinGen allele CA339566203.

ClinVar aggregate classification (germline): Uncertain significance (1 of 4 stars; one submission).

Allele frequency attached by ClinVar (database versions not stated): TOPMed 0.00002.

Submission:

Greenwood Genetic Center Diagnostic Laboratories, Greenwood Genetic Center
Classification: Uncertain significance. Last evaluated: 2022-07-11. Review status: criteria provided, single submitter. Criteria: ACMG Guidelines, 2015. Collection method: clinical testing. Allele origin: germline. Affected: yes.
Comment: PM2, PP2